The following is an entry in ClinVar:

ClinVar aggregate classification (germline): Benign (1 of 4 stars; one submission).

Conditions:
Amyotrophic lateral sclerosis type 21. Also called: VOCAL CORD AND PHARYNGEAL DYSFUNCTION WITH DISTAL MYOPATHY; MYOPATHY, DISTAL, 2. Identifiers: Orphanet 600, Orphanet 803, MedGen C3807521, MONDO:0011632, OMIM 606070.

Allele frequency attached by ClinVar (database versions not stated): ExAC 0.00055; 1000 Genomes Project 30x 0.00359; 1000 Genomes Project 0.00399; TOPMed 0.00499; gnomAD 0.00535.
gnomAD v4.1: 936 of 454,226 alleles (0.21%); highest among the groups gnomAD compares: African/African-American, 1.7%; 9 homozygotes.

Submission:

Illumina Laboratory Services, Illumina
Classification: Benign for Amyotrophic lateral sclerosis type 21. Last evaluated: 2018-01-12. Review status: criteria provided, single submitter. Criteria: ICSL Variant Classification Criteria 13 December 2019. Collection method: clinical testing. Allele origin: germline.
Comment: This variant was observed in the ICSL laboratory as part of a predisposition screen in an ostensibly healthy population. It had not been previously curated by ICSL or reported in the Human Gene Mutation Database (HGMD: prior to June 1st, 2018), and was therefore a candidate for classification through an automated scoring system. Utilizing variant allele frequency, disease prevalence and penetrance estimates, and inheritance mode, an automated score was calculated to assess if this variant is too frequent to cause the disease. Based on the score and internal cut-off values, a variant classified as benign is not then subjected to further curation. The score for this variant resulted in a classification of benign for this disease.

NM_018834.6(MATR3):c.*1087G>C

Gene: MATR3 (matrin 3; plus strand). Cytogenetic location: 5q31.2.
Variant type: single nucleotide variant.
Coding change: c.*1087G>C on transcript NM_018834.6 (MANE Select); 1087 bases downstream of the stop codon, G replaced by C.
Molecular consequence: 3 prime UTR variant.
Genome position (GRCh38, 1-based): chr5:139,330,482, G>C. VCF-style: chr5-139330482-G-C. GRCh37 (hg19) VCF-style: chr5-138666171-G-C.
Other names: c.*1087G>C (NM_001194954.2, NM_001194955.2, NM_001194956.2 and 2 more transcripts).
Identifiers: ClinVar variation 351165 (VCV000351165.5), dbSNP rs116660718, ClinGen allele CA3433585.